The following is an entry in ClinVar:

NM_018897.3(DNAH7):c.2813del (p.Met938fs)

Gene: DNAH7 (dynein axonemal heavy chain 7; minus strand). Cytogenetic location: 2q32.3.
Variant type: Deletion.
Coding change: c.2813del on transcript NM_018897.3 (MANE Select); coding-DNA position 2813, one base deleted (T; older notation c.2813delT).
Protein change: p.Met938fs; shifts the reading frame from methionine 938.
Molecular consequence: frameshift variant.
Genome position (GRCh38, 1-based): chr2:195,960,338, A deleted on the plus strand (T on the coding strand, the reverse complement: DNAH7 is on the minus strand). VCF-style (leftmost placement, unchanged base first): chr2-195960337-CA-C. GRCh37 (hg19) VCF-style: chr2-196825061-CA-C.
Other names: short protein forms M938fs.
Identifiers: ClinVar variation 4681386 (VCV004681386.5).

ClinVar aggregate classification (germline): Uncertain significance (1 of 4 stars; one submission).

Submission:

CeGaT Center for Human Genetics Tuebingen
Classification: Uncertain significance. Last evaluated: 2025-12-01. Review status: criteria provided, single submitter. Criteria: CeGaT Center For Human Genetics Tuebingen Variant Classification Criteria Version 2. Collection method: clinical testing. Allele origin: germline. Affected: yes. Observed: 1 variant allele.
Comment: DNAH7: PM2